The following is an entry in ClinVar:

ClinVar aggregate classification (germline): Uncertain significance (1 of 4 stars; one submission).

Conditions:
Gorlin syndrome. Also called: Basal cell nevus syndrome; Nevoid Basal Cell Carcinoma Syndrome. Identifiers: Orphanet 377, MedGen C0004779, MONDO:0007187.
Medulloblastoma (MDB). Also called: MEDULLOBLASTOMA PREDISPOSITION SYNDROME; Medulloblastoma, somatic. Identifiers: Orphanet 616, MedGen C0025149, MeSH D008527, MONDO:0007959, OMIM 155255, HP:0002885.

gnomAD v4.1: 1 of 1,614,268 alleles (0.000062%); highest among the groups gnomAD compares: Middle Eastern, 0.016%; no homozygotes.

Submission:

Labcorp Genetics (formerly Invitae), Labcorp
Classification: Uncertain significance for Gorlin syndrome; Medulloblastoma. Last evaluated: 2019-11-11. Review status: criteria provided, single submitter. Criteria: Invitae Variant Classification Sherloc (09022015). Collection method: clinical testing. Allele origin: germline.
Comment: Algorithms developed to predict the effect of missense changes on protein structure and function are either unavailable or do not agree on the potential impact of this missense change (SIFT: "Deleterious"; PolyPhen-2: "Benign"; Align-GVGD: "Class C0"). This variant has not been reported in the literature in individuals with SUFU-related conditions. This variant is not present in population databases (ExAC no frequency). This sequence change replaces glutamic acid with valine at codon 441 of the SUFU protein (p.Glu441Val). The glutamic acid residue is highly conserved and there is a moderate physicochemical difference between glutamic acid and valine. In summary, the available evidence is currently insufficient to determine the role of this variant in disease. Therefore, it has been classified as a Variant of Uncertain Significance.

NM_016169.4(SUFU):c.1322A>T (p.Glu441Val)

Gene: SUFU (SUFU negative regulator of hedgehog signaling; plus strand). Cytogenetic location: 10q24.32.
Variant type: single nucleotide variant.
Coding change: c.1322A>T on transcript NM_016169.4 (MANE Select); coding-DNA position 1322, A replaced by T.
Protein change: p.Glu441Val; replaces glutamic acid 441 with valine.
Molecular consequence: missense variant.
Genome position (GRCh38, 1-based): chr10:102,627,200, A>T. VCF-style: chr10-102627200-A-T. GRCh37 (hg19) VCF-style: chr10-104386957-A-T.
Other names: short protein forms E441V.
Identifiers: ClinVar variation 953270 (VCV000953270.10), dbSNP rs2063793808, ClinGen allele CA377918773.